The following is an entry in ClinVar:

ClinVar aggregate classification (germline): Uncertain significance. Review status: criteria provided, multiple submitters, no conflicts (2 of 4 stars). 3 submissions from 3 submitters: Uncertain significance (3). Last evaluated 2024-06-14.

Conditions:
Inborn genetic diseases. Identifiers: MedGen C0950123, MeSH D030342.
Beck-Fahrner syndrome (BEFAHRS). Identifiers: Orphanet 684216, MedGen C5394097, MONDO:0032922, OMIM 618798.

gnomAD v4.1: 34 of 1,613,848 alleles (0.0021%); highest among the groups gnomAD compares: Admixed American, 0.057%; no homozygotes.

Submissions (3):

GeneDx
Classification: Uncertain significance. Last evaluated: 2024-06-14. Review status: criteria provided, single submitter. Criteria: GeneDx Variant Classification Process June 2021. Collection method: clinical testing. Allele origin: germline. Affected: yes.
Comment: In silico analysis indicates that this missense variant does not alter protein structure/function; Has not been previously published as pathogenic or benign to our knowledge

Ambry Genetics
Classification: Uncertain significance for Inborn genetic diseases. Last evaluated: 2022-04-07. Review status: criteria provided, single submitter. Criteria: Ambry Variant Classification Scheme 2023. Collection method: clinical testing. Allele origin: germline.

Fulgent Genetics
Classification: Uncertain significance for Beck-Fahrner syndrome. Last evaluated: 2021-08-19. Review status: criteria provided, single submitter. Criteria: ACMG Guidelines, 2015. Collection method: clinical testing. Allele origin: unknown.

NM_001287491.2(TET3):c.1189C>G (p.Pro397Ala)

Gene: TET3 (tet methylcytosine dioxygenase 3; plus strand). Cytogenetic location: 2p13.1.
Variant type: single nucleotide variant.
Coding change: c.1189C>G on transcript NM_001287491.2 (MANE Select); coding-DNA position 1189, C replaced by G.
Protein change: p.Pro397Ala; replaces proline 397 with alanine.
Molecular consequence: missense variant.
Genome position (GRCh38, 1-based): chr2:74,047,106, C>G. VCF-style: chr2-74047106-C-G. GRCh37 (hg19) VCF-style: chr2-74274233-C-G.
Other names: c.910C>G, p.Pro304Ala (NM_001366022.1); c.784C>G (NM_144993.1); short protein forms P304A, P397A.
Identifiers: ClinVar variation 1313252 (VCV001313252.7), dbSNP rs375606763, ClinGen allele CA1718554.